The following is an entry in ClinVar:

NM_001104631.2(PDE4D):c.1552+7A>G

Gene: PDE4D (phosphodiesterase 4D; minus strand). Cytogenetic location: 5q11.2.
Variant type: single nucleotide variant.
Coding change: c.1552+7A>G on transcript NM_001104631.2 (MANE Select); 7 bases into the intron after coding-DNA position 1552, A replaced by G.
Molecular consequence: intron variant.
Genome position (GRCh38, 1-based): chr5:58,988,486, T>C on the plus strand (A>G on the coding strand, the complement: PDE4D is on the minus strand). VCF-style: chr5-58988486-T-C. GRCh37 (hg19) VCF-style: chr5-58284313-T-C.
Other names: c.1369+7A>G (NM_001364599.1, NM_001165899.2); c.784+7A>G (NM_001349243.2, NM_001364604.1); c.1339+7A>G (NM_001349241.2); c.1360+7A>G (NM_001197218.2); c.646+7A>G (NM_001364603.1, NM_001197221.2); c.1144+7A>G (NM_006203.5); c.1222+7A>G (NM_001349242.2); c.1186+7A>G (NM_001197219.2); and 3 more.
Identifiers: ClinVar variation 353989 (VCV000353989.10), dbSNP rs768894375, ClinGen allele CA3276055.
Genomic context (GRCh38, chr5:58,988,486, plus strand): 5'-AAAGACCCTTAGTCATTCTAAAATGTACAAGGGAAAAATGTGTTCTGAAAAAATAAAGTT[T>C]ACTTACTTGTATTGATCAGAAATTGATTGGACACACCAGGATGATCTACATCATGTATTG-3'

ClinVar aggregate classification (germline): Benign/Likely benign. Review status: criteria provided, multiple submitters, no conflicts (2 of 4 stars). 3 submissions from 3 submitters: Benign (2); Likely benign (1). Last evaluated 2025-08-13.

Conditions:
Acrodysostosis 2 with or without hormone resistance. Also called: ACRODYSOSTOSIS 2 WITH HORMONE RESISTANCE; ACRODYSOSTOSIS 2 WITHOUT HORMONE RESISTANCE. Identifiers: Orphanet 280651, MedGen C3553250, MONDO:0013822, OMIM 614613.

Allele frequency attached by ClinVar (database versions not stated): gnomAD below 0.00001 and 0.00005; gnomAD exomes 0.00016; ExAC 0.00054.
gnomAD v4.1: 75 of 1,268,512 alleles (0.0059%); highest among the groups gnomAD compares: South Asian, 0.12%; no homozygotes.

Submissions (3):

Labcorp Genetics (formerly Invitae), Labcorp
Classification: Benign. Last evaluated: 2025-08-13. Review status: criteria provided, single submitter. Criteria: Invitae Variant Classification Sherloc (09022015). Collection method: clinical testing. Allele origin: germline.

Blueprint Genetics
Classification: Likely benign. Last evaluated: 2024-01-18. Review status: criteria provided, single submitter. Criteria: ACMG Guidelines, 2015. Collection method: clinical testing. Allele origin: germline.

Illumina Laboratory Services, Illumina
Classification: Benign for Acrodysostosis 2 with or without hormone resistance. Last evaluated: 2018-01-13. Review status: criteria provided, single submitter. Criteria: ICSL Variant Classification Criteria 13 December 2019. Collection method: clinical testing. Allele origin: germline.
Comment: This variant was observed in the ICSL laboratory as part of a predisposition screen in an ostensibly healthy population. It had not been previously curated by ICSL or reported in the Human Gene Mutation Database (HGMD: prior to June 1st, 2018), and was therefore a candidate for classification through an automated scoring system. Utilizing variant allele frequency, disease prevalence and penetrance estimates, and inheritance mode, an automated score was calculated to assess if this variant is too frequent to cause the disease. Based on the score and internal cut-off values, a variant classified as benign is not then subjected to further curation. The score for this variant resulted in a classification of benign for this disease.